The following is an entry in ClinVar:

NM_000081.4(LYST):c.5923G>A (p.Glu1975Lys)

Gene: LYST (lysosomal trafficking regulator; minus strand). Cytogenetic location: 1q42.3.
Variant type: single nucleotide variant.
Coding change: c.5923G>A on transcript NM_000081.4 (MANE Select); coding-DNA position 5923, G replaced by A.
Protein change: p.Glu1975Lys; replaces glutamic acid 1975 with lysine.
Molecular consequence: missense variant.
Genome position (GRCh38, 1-based): chr1:235,766,277, C>T on the plus strand (G>A on the coding strand, the complement: LYST is on the minus strand). VCF-style: chr1-235766277-C-T. GRCh37 (hg19) VCF-style: chr1-235929577-C-T.
Other names: c.5923G>A, p.Glu1975Lys (NM_001301365.1); short protein forms E1975K.
Identifiers: ClinVar variation 2228237 (VCV002228237.2), dbSNP rs2527888277, ClinGen allele CA344948362.

ClinVar aggregate classification (germline): Uncertain significance (1 of 4 stars; one submission).

Conditions:
Inborn genetic diseases. Identifiers: MedGen C0950123, MeSH D030342.

Submission:

Ambry Genetics
Classification: Uncertain significance for Inborn genetic diseases. Last evaluated: 2020-12-08. Review status: criteria provided, single submitter. Criteria: Ambry Variant Classification Scheme 2023. Collection method: clinical testing. Allele origin: germline.
Comment: The c.5923G>A (p.E1975K) alteration is located in exon 21 (coding exon 19) of the LYST gene. This alteration results from a G to A substitution at nucleotide position 5923, causing the glutamic acid (E) at amino acid position 1975 to be replaced by a lysine (K). The in silico prediction for the p.E1975K alteration is inconclusive. Based on insufficient or conflicting evidence, the clinical significance of this alteration remains unclear.